The following is an entry in ClinVar:

ClinVar aggregate classification (germline): Uncertain significance (1 of 4 stars; one submission).

Conditions:
Cardiomyopathy (CMYO). Also called: Cardiomyopathies. Identifiers: Orphanet 167848, MedGen C0878544, MONDO:0004994, HP:0001638. Inheritance: Various modes of inheritance.

Submission:

Color Diagnostics, LLC DBA Color Health
Classification: Uncertain significance for Cardiomyopathy. Last evaluated: 2024-03-06. Review status: criteria provided, single submitter. Criteria: ACMG Guidelines, 2015. Collection method: clinical testing. Allele origin: germline.
Comment: This missense variant replaces glycine with cysteine at codon 223 of the DSP protein. Computational prediction suggests that this variant may not impact protein structure and function (internally defined REVEL score threshold <= 0.5, PMID: 27666373). Splice site prediction tools suggest that this variant may not impact RNA splicing. To our knowledge, functional studies have not been performed for this variant. This variant has not been reported in individuals affected with cardiovascular disorders in the literature. This variant has not been identified in the general population by the Genome Aggregation Database (gnomAD). The available evidence is insufficient to determine the role of this variant in disease conclusively. Therefore, this variant is classified as a Variant of Uncertain Significance.

NM_004415.4(DSP):c.667G>T (p.Gly223Cys)

Gene: DSP (desmoplakin; plus strand). Cytogenetic location: 6p24.3.
Variant type: single nucleotide variant.
Coding change: c.667G>T on transcript NM_004415.4 (MANE Select); coding-DNA position 667, G replaced by T.
Protein change: p.Gly223Cys; replaces glycine 223 with cysteine.
Molecular consequence: missense variant.
Genome position (GRCh38, 1-based): chr6:7,562,721, G>T. VCF-style: chr6-7562721-G-T. GRCh37 (hg19) VCF-style: chr6-7562954-G-T.
Other names: c.667G>T, p.Gly223Cys (NM_001008844.3, NM_001319034.2); short protein forms G223C.
Identifiers: ClinVar variation 921231 (VCV000921231.4), dbSNP rs200806163, ClinGen allele CA362673513.